The following is an entry in ClinVar:

NM_004327.4(BCR):c.393C>A (p.Ala131=)

Gene: BCR (BCR activator of RhoGEF and GTPase; plus strand). Cytogenetic location: 22q11.23.
Variant type: single nucleotide variant.
Coding change: c.393C>A on transcript NM_004327.4 (MANE Select); coding-DNA position 393, C replaced by A.
Protein change: p.Ala131=; no amino-acid change (alanine 131 retained).
Molecular consequence: synonymous variant.
Genome position (GRCh38, 1-based): chr22:23,181,353, C>A. VCF-style: chr22-23181353-C-A. GRCh37 (hg19) VCF-style: chr22-23523540-C-A.
Other names: c.393C>A, p.Ala131= (NM_021574.3).
Identifiers: ClinVar variation 2652957 (VCV002652957.24), dbSNP rs528616365, ClinGen allele CA10141697.
Genomic context (GRCh38, chr22:23,181,353, plus strand): 5'-GGAGCCCGAGGCCCGGCCCGACGGCGAGGGTTCTCCGGGTAAGGCCAGGCCCGGGACCGC[C>A]CGCAGGCCCGGGGCAGCCGCGTCGGGGGAACGGGACGACCGGGGACCCCCCGCCAGCGTG-3'
Protein context (NP_004318.3, residues 121-141): GSPGKARPGT[Ala131=]RRPGAAASGE

ClinVar aggregate classification (germline): Likely benign (1 of 4 stars; one submission).

Allele frequency attached by ClinVar (database versions not stated): ExAC 0.00002; gnomAD 0.00008; 1000 Genomes Project 30x 0.00016; 1000 Genomes Project 0.00020.
gnomAD v4.1: 130 of 1,506,448 alleles (0.0086%); highest among the groups gnomAD compares: Non-Finnish European, 0.011%; no homozygotes.

Submission:

CeGaT Center for Human Genetics Tuebingen
Classification: Likely benign. Last evaluated: 2022-07-01. Review status: criteria provided, single submitter. Criteria: CeGaT Center For Human Genetics Tuebingen Variant Classification Criteria Version 2. Collection method: clinical testing. Allele origin: germline. Affected: yes. Observed: 1 variant allele.
Comment: BCR: BP4, BP7